The following is an entry in ClinVar:

NM_001844.5(COL2A1):c.3914G>C (p.Gly1305Ala)

Gene: COL2A1 (collagen type II alpha 1 chain; minus strand). Cytogenetic location: 12q13.11.
Variant type: single nucleotide variant.
Coding change: c.3914G>C on transcript NM_001844.5 (MANE Select); coding-DNA position 3914, G replaced by C.
Protein change: p.Gly1305Ala; replaces glycine 1305 with alanine.
Molecular consequence: missense variant.
Genome position (GRCh38, 1-based): chr12:47,974,835, C>G on the plus strand (G>C on the coding strand, the complement: COL2A1 is on the minus strand). VCF-style: chr12-47974835-C-G. GRCh37 (hg19) VCF-style: chr12-48368618-C-G.
Other names: c.3707G>C, p.Gly1236Ala (NM_033150.3); short protein forms G1305A, G1236A.
Identifiers: ClinVar variation 561286 (VCV000561286.5), dbSNP rs121912887, ClinGen allele CA384536102.

ClinVar aggregate classification (germline): Conflicting classifications of pathogenicity. Review status: criteria provided, conflicting classifications (1 of 4 stars). 2 submissions from 2 submitters: Likely pathogenic (1); Uncertain significance (1). Last evaluated 2022-03-27.

Conditions:
Connective tissue disorder. Also called: Connective tissue disease. Identifiers: MedGen C0009782, MONDO:0003900.

Allele frequency attached by ClinVar (database versions not stated): gnomAD exomes below 0.00001.
gnomAD v4.1: 2 of 1,614,150 alleles (0.00012%); highest among the groups gnomAD compares: South Asian, 0.0011%; no homozygotes.

Submissions (2):

Labcorp Genetics (formerly Invitae), Labcorp
Classification: Likely pathogenic. Last evaluated: 2022-03-27. Review status: criteria provided, single submitter. Criteria: Invitae Variant Classification Sherloc (09022015). Collection method: clinical testing. Allele origin: germline.
Comment: This sequence change replaces glycine, which is neutral and non-polar, with alanine, which is neutral and non-polar, at codon 1305 of the COL2A1 protein (p.Gly1305Ala). This variant is present in population databases (no rsID available, gnomAD 0.003%). This variant has not been reported in the literature in individuals affected with COL2A1-related conditions. ClinVar contains an entry for this variant (Variation ID: 561286). Advanced modeling of protein sequence and biophysical properties (such as structural, functional, and spatial information, amino acid conservation, physicochemical variation, residue mobility, and thermodynamic stability) performed at Invitae indicates that this missense variant is expected to disrupt COL2A1 protein function. This variant disrupts the p.Gly1305 amino acid residue in COL2A1. Other variant(s) that disrupt this residue have been determined to be pathogenic (PMID: 12205109). This suggests that this residue is clinically significant, and that variants that disrupt this residue are likely to be disease-causing. In summary, the currently available evidence indicates that the variant is pathogenic, but additional data are needed to prove that conclusively. Therefore, this variant has been classified as Likely Pathogenic.

Center for Human Genetics, Inc
Classification: Uncertain significance for Connective tissue disorder. Last evaluated: 2018-06-01. Review status: criteria provided, single submitter. Criteria: ACMG Guidelines, 2015. Collection method: clinical testing. Allele origin: germline. Affected: yes.

Literature cited by the submitters: PubMed 12205109 (cited by Labcorp Genetics (formerly Invitae), Labcorp).